The following is an entry in ClinVar:

ClinVar aggregate classification (germline): Pathogenic. Review status: criteria provided, multiple submitters, no conflicts (2 of 4 stars). 3 submissions from 3 submitters: Pathogenic (3). Last evaluated 2023-07-03.

Conditions:
Alzheimer disease 3 (AD3). Also called: ALZHEIMER DISEASE, FAMILIAL, 3. Identifiers: Orphanet 1020, MedGen C1843013, MONDO:0011913, OMIM 607822.
Acne inversa, familial, 3 (ACNINV3). Identifiers: MedGen C3151038, MONDO:0013398, OMIM 613737.
Frontotemporal dementia (FTD1). Also called: Frontotemporal lobe dementia (FLDEM); FRONTOTEMPORAL LOBAR DEGENERATION WITH TAU INCLUSIONS; FTLD WITH TAU INCLUSIONS; Dementia, frontotemporal, with or without parkinsonism; Frontotemporal Dementia with Parkinsonism-17 (FTDP-17); FRONTOTEMPORAL DEMENTIA WITH PARKINSONISM. Identifiers: Orphanet 282, MedGen C0338451, MONDO:0017276, OMIM 600274, HP:0002145.
Pick disease. Also called: Pick Disease of the Brain; Pick's disease; PICK DISEASE OF BRAIN; DEMENTIA WITH LOBAR ATROPHY AND NEURONAL CYTOPLASMIC INCLUSIONS; LOBAR ATROPHY OF BRAIN. Identifiers: Orphanet 282, MedGen C0236642, MONDO:0008243, OMIM 172700.

Submissions (3):

Labcorp Genetics (formerly Invitae), Labcorp
Classification: Pathogenic for Alzheimer disease 3; Pick disease; Acne inversa, familial, 3; Frontotemporal dementia. Last evaluated: 2023-07-03. Review status: criteria provided, single submitter. Criteria: Invitae Variant Classification Sherloc (09022015). Collection method: clinical testing. Allele origin: germline.
Comment: This sequence change replaces glycine, which is neutral and non-polar, with aspartic acid, which is acidic and polar, at codon 206 of the PSEN1 protein (p.Gly206Asp). This variant is not present in population databases (gnomAD no frequency). This missense change has been observed in individuals with early-onset Alzheimer disease (PMID: 16033913, 21335660, 33188256). ClinVar contains an entry for this variant (Variation ID: 807473). Advanced modeling of protein sequence and biophysical properties (such as structural, functional, and spatial information, amino acid conservation, physicochemical variation, residue mobility, and thermodynamic stability) performed at Invitae indicates that this missense variant is expected to disrupt PSEN1 protein function. Experimental studies have shown that this missense change affects PSEN1 function (PMID: 25394380). This variant disrupts the p.Gly206 amino acid residue in PSEN1. Other variant(s) that disrupt this residue have been determined to be pathogenic (PMID: 11524469, 11710891, 18797263, 22312439, 23114514, 25333068, 27073747, 27930341). This suggests that this residue is clinically significant, and that variants that disrupt this residue are likely to be disease-causing. For these reasons, this variant has been classified as Pathogenic.

MGZ Medical Genetics Center
Classification: Pathogenic for Alzheimer disease 3. Last evaluated: 2021-11-04. Review status: criteria provided, single submitter. Criteria: ACMG Guidelines, 2015. Collection method: clinical testing. Allele origin: germline. Affected: yes. Observed: 1 variant allele.
Comment: ACMG criteria applied: PS3, PM5_STR, PS4_MOD, PM1, PM2_SUP, PP3

Institute of Human Genetics Munich, TUM University Hospital
Classification: Pathogenic for Alzheimer disease 3. Last evaluated: 2018-06-01. Review status: criteria provided, single submitter. Criteria: Classification criteria August 2017. Collection method: clinical testing. Allele origin: germline. Inheritance: Autosomal dominant inheritance. Affected: yes. Observed: 1 heterozygote.

Literature cited by the submitters: PubMed 16033913 (cited by Labcorp Genetics (formerly Invitae), Labcorp); PubMed 21335660 (cited by Labcorp Genetics (formerly Invitae), Labcorp); PubMed 33188256 (cited by Labcorp Genetics (formerly Invitae), Labcorp); PubMed 25394380 (cited by Labcorp Genetics (formerly Invitae), Labcorp); PubMed 11524469 (cited by Labcorp Genetics (formerly Invitae), Labcorp); PubMed 11710891 (cited by Labcorp Genetics (formerly Invitae), Labcorp); PubMed 18797263 (cited by Labcorp Genetics (formerly Invitae), Labcorp); PubMed 22312439 (cited by Labcorp Genetics (formerly Invitae), Labcorp); PubMed 23114514 (cited by Labcorp Genetics (formerly Invitae), Labcorp); PubMed 25333068 (cited by Labcorp Genetics (formerly Invitae), Labcorp); PubMed 27073747 (cited by Labcorp Genetics (formerly Invitae), Labcorp); PubMed 27930341 (cited by Labcorp Genetics (formerly Invitae), Labcorp).

NM_000021.4(PSEN1):c.617G>A (p.Gly206Asp)

Gene: PSEN1 (presenilin 1; plus strand). Cytogenetic location: 14q24.2.
Variant type: single nucleotide variant.
Coding change: c.617G>A on transcript NM_000021.4 (MANE Select); coding-DNA position 617, G replaced by A.
Protein change: p.Gly206Asp; replaces glycine 206 with aspartic acid.
Molecular consequence: missense variant.
Genome position (GRCh38, 1-based): chr14:73,192,712, G>A. VCF-style: chr14-73192712-G-A. GRCh37 (hg19) VCF-style: chr14-73659420-G-A.
Other names: c.605G>A, p.Gly202Asp (NM_007318.3); short protein forms G202D, G206D.
Identifiers: ClinVar variation 807473 (VCV000807473.7), dbSNP rs63750082, ClinGen allele CA390299366.